The following is an entry in ClinVar:

NM_020800.3(IFT80):c.721G>C (p.Gly241Arg)

Genes: IFT80 (intraflagellar transport 80; minus strand), TRIM59-IFT80 (TRIM59-IFT80 readthrough (NMD candidate); minus strand). Cytogenetic location: 3q25.33.
Variant type: single nucleotide variant.
Coding change: c.721G>C on transcript NM_020800.3 (MANE Select); coding-DNA position 721, G replaced by C.
Protein change: p.Gly241Arg; replaces glycine 241 with arginine.
Molecular consequence: missense variant. On other transcripts: non-coding transcript variant (3).
Genome position (GRCh38, 1-based): chr3:160,356,069, C>G on the plus strand (G>C on the coding strand, the complement: IFT80 is on the minus strand). VCF-style: chr3-160356069-C-G. GRCh37 (hg19) VCF-style: chr3-160073857-C-G.
Other names: c.310G>C, p.Gly104Arg (NM_001190241.2, NM_001190242.2); short protein forms G241R, G104R.
Identifiers: ClinVar variation 406218 (VCV000406218.26), dbSNP rs138004478, ClinGen allele CA2685388.

ClinVar aggregate classification (germline): Conflicting classifications of pathogenicity. Review status: criteria provided, conflicting classifications (1 of 4 stars). 9 submissions from 7 submitters: Pathogenic (1); Likely pathogenic (2); Uncertain significance (1). 5 of the submissions do not count toward it. Last evaluated 2025-11-19.

Conditions:
IFT80-related skeletal disorders.
Asphyxiating thoracic dystrophy 2 (SRTD2). Also called: SHORT-RIB THORACIC DYSPLASIA 2 WITH OR WITHOUT POLYDACTYLY; SHORT-RIB THORACIC DYSPLASIA 2 WITH POLYDACTYLY; SHORT-RIB THORACIC DYSPLASIA 2 WITHOUT POLYDACTYLY. Identifiers: Orphanet 474, MedGen C1970005, MONDO:0012644, OMIM 611263.
IFT80-related disorder. Also called: IFT80-related condition.
Jeune thoracic dystrophy. Also called: Jeune syndrome; Infantile thoracic dystrophy; Thoracic pelvic phalangeal dystrophy; Jeune's syndrome; Chondroectodermal dysplasia-like syndrome; Short-rib thoracic dysplasia. Identifiers: Orphanet 474, MedGen C0265275, MONDO:0018770.
Short-rib thoracic dysplasia 6 with or without polydactyly (SRTD6). Also called: Majewski Syndrome; SHORT RIB-POLYDACTYLY SYNDROME, TYPE IIA; POLYDACTYLY WITH NEONATAL CHONDRODYSTROPHY, TYPE II; SHORT-RIB THORACIC DYSPLASIA 6 WITH POLYDACTYLY; SHORT-RIB THORACIC DYSPLASIA 6 WITHOUT POLYDACTYLY. Identifiers: MedGen C0024507, MONDO:0009894, OMIM 263520.

Allele frequency attached by ClinVar (database versions not stated): gnomAD exomes 0.00004 and 0.00007; ExAC 0.00009; gnomAD 0.00041 and 0.00043; TOPMed 0.00043; ESP Exome Variant Server 0.00054; 1000 Genomes Project 0.00060; 1000 Genomes Project 30x 0.00078.
gnomAD v4.1: 118 of 1,614,156 alleles (0.0073%); highest among the groups gnomAD compares: African/African-American, 0.14%; no homozygotes.

Submissions (9):

Rady Children's Institute for Genomic Medicine, Rady Children's Hospital San Diego
Classification: Likely pathogenic for IFT80-related skeletal disorders. Last evaluated: 2025-11-19. Review status: criteria provided, single submitter. Criteria: ACMG Guidelines, 2015. Collection method: clinical testing. Allele origin: germline. Affected: yes.
Comment: This variant has been previously reported as a homozygous change (PMID: 19648123, 29068549, 30266093) or in unconfirmed phase with another variant (PMID: 29068549) in patients that displayed symptoms consistent with IFT80-related skeletal disorders. The c.721G>C (p.Gly241Arg) variant affects a highly conserved amino acid; however, in silico tools used to predict the effect of this variant on protein function yield discordant results. Functional studies demonstrated that the c.721G>C (p.Gly241Arg) variant results in decreased expression levels, potentially causing protein instability (PMID: 29658880). The c.721G>C (p.Gly241Arg) variant is present in the latest version of the gnomAD population database at an allele frequency of 0.007% (118/1614156) and is absent in the homozygous state. Based on the available evidence, c.721G>C (p.Gly241Arg) is classified as Likely Pathogenic.

Labcorp Genetics (formerly Invitae), Labcorp
Classification: Pathogenic for Jeune thoracic dystrophy. Last evaluated: 2025-10-26. Review status: criteria provided, single submitter. Criteria: Invitae Variant Classification Sherloc (09022015). Collection method: clinical testing. Allele origin: germline.
Comment: This sequence change replaces glycine, which is neutral and non-polar, with arginine, which is basic and polar, at codon 241 of the IFT80 protein (p.Gly241Arg). This variant is present in population databases (rs138004478, gnomAD 0.1%). This missense change has been observed in individuals with short-rib thoracic dysplasia (PMID: 19648123, 29068549, 30266093). ClinVar contains an entry for this variant (Variation ID: 406218). Invitae Evidence Modeling of protein sequence and biophysical properties (such as structural, functional, and spatial information, amino acid conservation, physicochemical variation, residue mobility, and thermodynamic stability) indicates that this missense variant is expected to disrupt IFT80 protein function with a positive predictive value of 80%. For these reasons, this variant has been classified as Pathogenic.

ARUP Laboratories, Molecular Genetics and Genomics, ARUP Laboratories
Classification: Likely pathogenic for Asphyxiating thoracic dystrophy 2. Last evaluated: 2023-06-01. Review status: criteria provided, single submitter. Criteria: ARUP Molecular Germline Variant Investigation Process 2024. Collection method: clinical testing. Allele origin: germline.
Comment: The IFT80 c.721G>C; p.Gly241Arg variant (rs138004478) is reported in the literature in the homozygous or compound heterozygous state in individuals affected with short-rib thoracic dysplasia II, asphyxiating thoracic dystrophy, or Jeune-Verma-Naumoff dysplasia (Cavalcanti 2011, Normand 2018, Zhang 2018). This variant is also reported in ClinVar (Variation ID: 406218), and is found in the African/African-American population with an allele frequency of 0.12% (30/24974 alleles) in the Genome Aggregation Database. Computational analyses are uncertain whether this variant is neutral or deleterious (REVEL: 0.628). Based on available information, this variant is considered to be likely pathogenic. References: Cavalcanti D et al. Mutation in IFT80 in a fetus with the phenotype of Verma-Naumoff provides molecular evidence for Jeune-Verma-Naumoff dysplasia spectrum. J Med Genet. 2011; 48(2):88-92. PMID: 19648123. Normand EA et al. Clinical exome sequencing for fetuses with ultrasound abnormalities and a suspected Mendelian disorder. Genome Med. 2018 Sep 28;10(1):74. PMID: 30266093. Zhang W et al. Expanding the genetic architecture and phenotypic spectrum in the skeletal ciliopathies. Hum Mutat. 2018 Jan;39(1):152-166. PMID: 29068549.

Eurofins Ntd Llc (ga)
Classification: Uncertain significance. Last evaluated: 2017-03-02. Review status: criteria provided, single submitter. Criteria: EGL Classification Definitions 2015. Collection method: clinical testing. Allele origin: germline. Observed: 2 variant alleles, 2 heterozygotes.

PreventionGenetics, part of Exact Sciences
Classification: Pathogenic for IFT80-related condition. Last evaluated: 2024-07-08. Review status: no assertion criteria provided. Collection method: clinical testing. Allele origin: germline. Not counted in ClinVar's aggregate classification.
Comment: The IFT80 c.721G>C variant is predicted to result in the amino acid substitution p.Gly241Arg. This variant was reported in the homozygous state in multiple individuals with short-rib thoracic dysplasia (Cavalcanti et al. 2011. PubMed ID: 19648123; Zhang et al. 2017. PubMed ID: 29068549; Normand et al. 2018. PubMed ID: 30266093). This variant is reported in 0.12% of alleles in individuals of African descent in gnomAD. This variant is interpreted as pathogenic.

Dan Cohn Lab, University Of California Los Angeles
Classification: Pathogenic for Asphyxiating thoracic dystrophy. Last evaluated: 2017-06-01. Review status: no assertion criteria provided. Collection method: research. Allele origin: unknown. Affected: yes. Not counted in ClinVar's aggregate classification.

Dan Cohn Lab, University Of California Los Angeles
Classification: Pathogenic for Short-rib thoracic dysplasia 6 with or without polydactyly. Last evaluated: 2017-06-01. Review status: no assertion criteria provided. Collection method: research. Allele origin: inherited. Affected: yes. Not counted in ClinVar's aggregate classification.

University of Washington Center for Mendelian Genomics, University of Washington
Classification: Likely pathogenic for asphyxiating thoracic dystrophy. Review status: no assertion criteria provided. Collection method: research. Allele origin: inherited. Affected: yes. Not counted in ClinVar's aggregate classification.

University of Washington Center for Mendelian Genomics, University of Washington
Classification: Likely pathogenic for short-rib polydactyly syndrome type II. Review status: no assertion criteria provided. Collection method: research. Allele origin: inherited. Affected: yes. Not counted in ClinVar's aggregate classification.

Literature cited by the submitters: PubMed 19648123 (cited by Rady Children's Institute for Genomic Medicine, Rady Children's Hospital San Diego and Labcorp Genetics (formerly Invitae), Labcorp); PubMed 29068549 (cited by 4 submitters); PubMed 29658880 (cited by Rady Children's Institute for Genomic Medicine, Rady Children's Hospital San Diego); PubMed 30266093 (cited by Rady Children's Institute for Genomic Medicine, Rady Children's Hospital San Diego and Labcorp Genetics (formerly Invitae), Labcorp).